The following is an entry in ClinVar:

NM_003922.4(HERC1):c.7350A>C (p.Lys2450Asn)

Gene: HERC1 (HECT and RLD domain containing E3 ubiquitin protein ligase family member 1; minus strand). Cytogenetic location: 15q22.31.
Variant type: single nucleotide variant.
Coding change: c.7350A>C on transcript NM_003922.4 (MANE Select); coding-DNA position 7350, A replaced by C.
Protein change: p.Lys2450Asn; replaces lysine 2450 with asparagine.
Molecular consequence: missense variant.
Genome position (GRCh38, 1-based): chr15:63,674,838, T>G on the plus strand (A>C on the coding strand, the complement: HERC1 is on the minus strand). VCF-style: chr15-63674838-T-G. GRCh37 (hg19) VCF-style: chr15-63967037-T-G.
Other names: short protein forms K2450N.
Identifiers: ClinVar variation 2663638 (VCV002663638.3), dbSNP rs776366114, ClinGen allele CA7605164.

ClinVar aggregate classification (germline): Uncertain significance. Review status: criteria provided, multiple submitters, no conflicts (2 of 4 stars). 2 submissions from 2 submitters: Uncertain significance (2). Last evaluated 2025-04-18.

Conditions:
Inborn genetic diseases. Identifiers: MedGen C0950123, MeSH D030342.

Allele frequency attached by ClinVar (database versions not stated): TOPMed below 0.00001; ExAC 0.00001.
gnomAD v4.1: 15 of 1,613,840 alleles (0.00093%); highest among the groups gnomAD compares: Non-Finnish European, 0.0013%; no homozygotes.

Submissions (2):

Ambry Genetics
Classification: Uncertain significance for Inborn genetic diseases. Last evaluated: 2025-04-18. Review status: criteria provided, single submitter. Criteria: Ambry Variant Classification Scheme 2023. Collection method: clinical testing. Allele origin: germline.

GeneDx
Classification: Uncertain significance. Last evaluated: 2024-05-07. Review status: criteria provided, single submitter. Criteria: GeneDx Variant Classification Process June 2021. Collection method: clinical testing. Allele origin: germline.
Comment: Not observed at significant frequency in large population cohorts (gnomAD); In silico analysis indicates that this missense variant does not alter protein structure/function; Has not been previously published as pathogenic or benign to our knowledge